The following is an entry in ClinVar:

ClinVar aggregate classification (germline): Conflicting classifications of pathogenicity. Review status: criteria provided, conflicting classifications (1 of 4 stars). 3 submissions from 3 submitters: Uncertain significance (1); Likely benign (2). Last evaluated 2025-02-10.

Conditions:
Inborn genetic diseases. Identifiers: MedGen C0950123, MeSH D030342.
Familial focal epilepsy with variable foci (FPEVF). Identifiers: Orphanet 98820, MedGen C1858477, MONDO:0020310.

Allele frequency attached by ClinVar (database versions not stated): ExAC 0.00002; gnomAD exomes 0.00002 and 0.00004; TOPMed 0.00002; gnomAD 0.00003; ESP Exome Variant Server 0.00008.
gnomAD v4.1: 71 of 1,614,012 alleles (0.0044%); highest among the groups gnomAD compares: Non-Finnish European, 0.0054%; no homozygotes.

Submissions (3):

Ambry Genetics
Classification: Likely benign for Inborn genetic diseases. Last evaluated: 2025-02-10. Review status: criteria provided, single submitter. Criteria: Ambry Variant Classification Scheme 2023. Collection method: clinical testing. Allele origin: germline.

Labcorp Genetics (formerly Invitae), Labcorp
Classification: Uncertain significance for Familial focal epilepsy with variable foci. Last evaluated: 2024-05-09. Review status: criteria provided, single submitter. Criteria: Invitae Variant Classification Sherloc (09022015). Collection method: clinical testing. Allele origin: germline.
Comment: This sequence change replaces serine, which is neutral and polar, with asparagine, which is neutral and polar, at codon 445 of the DEPDC5 protein (p.Ser445Asn). This variant is present in population databases (rs201797550, gnomAD 0.005%). This variant has not been reported in the literature in individuals affected with DEPDC5-related conditions. ClinVar contains an entry for this variant (Variation ID: 578315). Experimental studies and prediction algorithms are not available or were not evaluated, and the functional significance of this variant is currently unknown. In summary, the available evidence is currently insufficient to determine the role of this variant in disease. Therefore, it has been classified as a Variant of Uncertain Significance.

GeneDx
Classification: Likely benign. Last evaluated: 2019-06-05. Review status: criteria provided, single submitter. Criteria: GeneDx Variant Classification Process June 2021. Collection method: clinical testing. Allele origin: germline. Affected: yes.

NM_001242896.3(DEPDC5):c.1334G>A (p.Ser445Asn)

Gene: DEPDC5 (DEP domain containing 5, GATOR1 subcomplex subunit; plus strand). Cytogenetic location: 22q12.3.
Variant type: single nucleotide variant.
Coding change: c.1334G>A on transcript NM_001242896.3 (MANE Select); coding-DNA position 1334, G replaced by A.
Protein change: p.Ser445Asn; replaces serine 445 with asparagine.
Molecular consequence: missense variant. On other transcripts: non-coding transcript variant (5).
Genome position (GRCh38, 1-based): chr22:31,810,530, G>A. VCF-style: chr22-31810530-G-A. GRCh37 (hg19) VCF-style: chr22-32206516-G-A.
Other names: c.1334G>A, p.Ser445Asn (NM_001007188.4, NM_001136029.4, NM_001242897.2 and 7 more transcripts); c.1250G>A, p.Ser417Asn (NM_001369901.1, NM_001369902.1); short protein forms S445N, S417N.
Identifiers: ClinVar variation 578315 (VCV000578315.13), dbSNP rs201797550, ClinGen allele CA10196345.
Genomic context (GRCh38, chr22:31,810,530, plus strand): 5'-CATGTGTTTGAAATGTATTTGATGACAATTTATATTATTTGTGTATTTCAGCTCTCGGGA[G>A]TCCAAAAGAATCTGAGAACGCCCTTCCCATCCAAGTAGATTATGACGCCTATGACGCTCA-3'
Protein context (NP_001229825.1, residues 435-455): AKNGRDTSLG[Ser445Asn]PKESENALPI